The following is an entry in ClinVar:

ClinVar aggregate classification (germline): Uncertain significance (1 of 4 stars; one submission).

Conditions:
Epidermolysis bullosa simplex 3, localized or generalized intermediate, with BP230 deficiency (EBS3). Also called: Epidermolysis bullosa simplex, autosomal recessive 2; Epidermolysis bullosa simplex due to BP230 deficiency. Identifiers: Orphanet 412181, MedGen C3809470, MONDO:0014180, OMIM 615425.
Hereditary sensory and autonomic neuropathy type 6. Also called: HSAN VI; Neuropathy, hereditary sensory and autonomic, type VI. Identifiers: Orphanet 314381, MedGen C3539003, MONDO:0013839, OMIM 614653.

Submission:

Labcorp Genetics (formerly Invitae), Labcorp
Classification: Uncertain significance for Epidermolysis bullosa simplex 3, localized or generalized intermediate, with BP230 deficiency; Hereditary sensory and autonomic neuropathy type 6. Last evaluated: 2022-12-07. Review status: criteria provided, single submitter. Criteria: Invitae Variant Classification Sherloc (09022015). Collection method: clinical testing. Allele origin: germline.
Comment: In summary, the available evidence is currently insufficient to determine the role of this variant in disease. Therefore, it has been classified as a Variant of Uncertain Significance. Algorithms developed to predict the effect of missense changes on protein structure and function are either unavailable or do not agree on the potential impact of this missense change (SIFT: "Deleterious"; PolyPhen-2: "Possibly Damaging"; Align-GVGD: "Class C0"). This variant has not been reported in the literature in individuals affected with DST-related conditions. This variant is not present in population databases (gnomAD no frequency). This sequence change replaces histidine, which is basic and polar, with glutamine, which is neutral and polar, at codon 515 of the DST protein (p.His515Gln).

NM_001374736.1(DST):c.3156C>A (p.His1052Gln)

Gene: DST (dystonin; minus strand). Cytogenetic location: 6p12.1.
Variant type: single nucleotide variant.
Coding change: c.3156C>A on transcript NM_001374736.1 (MANE Select); coding-DNA position 3156, C replaced by A.
Protein change: p.His1052Gln; replaces histidine 1052 with glutamine.
Molecular consequence: missense variant.
Genome position (GRCh38, 1-based): chr6:56,635,619, G>T on the plus strand (C>A on the coding strand, the complement: DST is on the minus strand). VCF-style: chr6-56635619-G-T. GRCh37 (hg19) VCF-style: chr6-56500417-G-T.
Other names: c.3057C>A, p.His1019Gln (NM_001144769.5); c.2643C>A, p.His881Gln (NM_001144770.2); c.3156C>A, p.His1052Gln (NM_001374722.1); c.2523C>A, p.His841Gln (NM_001374729.1, NM_001374730.1, NM_001386100.1 and 1 more transcripts); c.3183C>A, p.His1061Gln (NM_001374734.1); c.1545C>A, p.His515Gln (NM_001723.7, NM_015548.5); short protein forms H1052Q, H841Q, H1061Q, H515Q, H1019Q, H881Q.
Identifiers: ClinVar variation 2942125 (VCV002942125.3), dbSNP rs2537072543, ClinGen allele CA364576604.